The following is an entry in ClinVar:

NM_001127644.2(GABRA1):c.238G>A (p.Val80Ile)

Gene: GABRA1 (gamma-aminobutyric acid type A receptor subunit alpha1; plus strand). Cytogenetic location: 5q34.
Variant type: single nucleotide variant.
Coding change: c.238G>A on transcript NM_001127644.2 (MANE Select); coding-DNA position 238, G replaced by A.
Protein change: p.Val80Ile; replaces valine 80 with isoleucine.
Molecular consequence: missense variant.
Genome position (GRCh38, 1-based): chr5:161,865,771, G>A. VCF-style: chr5-161865771-G-A. GRCh37 (hg19) VCF-style: chr5-161292777-G-A.
Other names: c.238G>A, p.Val80Ile (NM_000806.5, NM_001127643.2, NM_001127645.2 and 1 more transcripts); short protein forms V80I.
Identifiers: ClinVar variation 3366229 (VCV003366229.3).
Genomic context (GRCh38, chr5:161,865,771, plus strand): 5'-GCTTCAACAGAGCGTGTAACCGAAGTGAAGACTGATATCTTCGTCACCAGTTTCGGACCC[G>A]TTTCAGACCATGATATGGTAAGTGGACACTTTATCTTTGCTTTTCTTGAAGAATTTTTAA-3'
Protein context (NP_001121116.1, residues 70-90): TDIFVTSFGP[Val80Ile]SDHDMEYTID

ClinVar aggregate classification (germline): Uncertain significance. Review status: criteria provided, multiple submitters, no conflicts (2 of 4 stars). 2 submissions from 2 submitters: Uncertain significance (2). Last evaluated 2024-07-23.

Conditions:
Idiopathic generalized epilepsy. Also called: Generalised epilepsy; EIG. Identifiers: MedGen C0270850, MONDO:0005579, OMIM 600669.
Epilepsy, childhood absence 4 (ECA4). Also called: EPILEPSY, CHILDHOOD ABSENCE, SUSCEPTIBILITY TO, 4. Identifiers: Orphanet 307, MedGen C1970160.
Epilepsy, idiopathic generalized, susceptibility to, 13. Also called: EPILEPSY, JUVENILE MYOCLONIC, SUSCEPTIBILITY TO, 5. Identifiers: Orphanet 307, Orphanet 64280, MedGen C4013473, MONDO:0012627, OMIM 611136.

Submissions (2):

Labcorp Genetics (formerly Invitae), Labcorp
Classification: Uncertain significance for Epilepsy, childhood absence 4; Epilepsy, idiopathic generalized, susceptibility to, 13; Idiopathic generalized epilepsy. Last evaluated: 2024-07-23. Review status: criteria provided, single submitter. Criteria: Invitae Variant Classification Sherloc (09022015). Collection method: clinical testing. Allele origin: germline.
Comment: This sequence change replaces valine, which is neutral and non-polar, with isoleucine, which is neutral and non-polar, at codon 80 of the GABRA1 protein (p.Val80Ile). This variant is not present in population databases (gnomAD no frequency). This variant has not been reported in the literature in individuals affected with GABRA1-related conditions. Advanced modeling of protein sequence and biophysical properties (such as structural, functional, and spatial information, amino acid conservation, physicochemical variation, residue mobility, and thermodynamic stability) has been performed at Invitae for this missense variant, however the output from this modeling did not meet the statistical confidence thresholds required to predict the impact of this variant on GABRA1 protein function. In summary, the available evidence is currently insufficient to determine the role of this variant in disease. Therefore, it has been classified as a Variant of Uncertain Significance.

GeneDx
Classification: Uncertain significance. Last evaluated: 2023-10-30. Review status: criteria provided, single submitter. Criteria: GeneDx Variant Classification Process June 2021. Collection method: clinical testing. Allele origin: germline. Affected: yes.
Comment: Not observed at significant frequency in large population cohorts (gnomAD); In silico analysis supports that this missense variant does not alter protein structure/function; Has not been previously published as pathogenic or benign to our knowledge